The following is an entry in ClinVar:

NM_022772.4(EPS8L2):c.675C>T (p.Gly225=)

Genes: EPS8L2 (EPS8 signaling adaptor L2; plus strand), LOC130005078 (ATAC-STARR-seq lymphoblastoid silent region 3018; plus strand). Cytogenetic location: 11p15.5.
Variant type: single nucleotide variant.
Coding change: c.675C>T on transcript NM_022772.4 (MANE Select); coding-DNA position 675, C replaced by T.
Protein change: p.Gly225=; no amino-acid change (glycine 225 retained).
Molecular consequence: synonymous variant.
Genome position (GRCh38, 1-based): chr11:721,181, C>T. VCF-style: chr11-721181-C-T. GRCh37 (hg19) VCF-style: chr11-721181-C-T.
Other names: c.675C>T, p.Gly225= (NM_001441192.1, NM_001441193.1); c.138C>T, p.Gly46= (NM_001441194.1).
Identifiers: ClinVar variation 4983194 (VCV004983194.1).

ClinVar aggregate classification (germline): Uncertain significance (1 of 4 stars; one submission).

Conditions:
EPS8L2-related disorder. Also called: EPS8L2-related condition.

gnomAD v4.1: 11 of 1,533,558 alleles (0.00072%); highest among the groups gnomAD compares: Middle Eastern, 0.017%; no homozygotes.

Submission:

PreventionGenetics, part of Exact Sciences
Classification: Uncertain significance for EPS8L2-related condition. Last evaluated: 2026-05-27. Review status: criteria provided, single submitter. Criteria: ACMG Guidelines, 2015. Collection method: clinical testing. Allele origin: germline.
Comment: The EPS8L2 c.675C>T variant is not predicted to result in an amino acid change (p.=). This variant is predicted to impact splicing based on available splicing prediction programs (SpliceAI, Jaganathan et al. 2019. PubMed ID: 30661751). To our knowledge, this variant has not been reported in the literature. This variant is reported in 0.0065% of alleles in individuals of European (Non-Finnish) descent in gnomAD. At this time, the clinical significance of this variant is uncertain due to the absence of conclusive functional and genetic evidence.